The following is an entry in ClinVar:

NM_000051.4(ATM):c.4790_4791del (p.Phe1597fs)

Gene: ATM (ATM serine/threonine kinase; plus strand). Cytogenetic location: 11q22.3.
Variant type: Deletion.
Coding change: c.4790_4791del on transcript NM_000051.4 (MANE Select); coding-DNA positions 4790 to 4791, 2 bases deleted (TT; older notation c.4790_4791delTT).
Protein change: p.Phe1597fs; shifts the reading frame from phenylalanine 1597.
Molecular consequence: frameshift variant.
Genome position (GRCh38, 1-based): chr11:108,294,940-108,294,941, TT deleted; deleting any 2 consecutive bases within chr11:108,294,938-108,294,941 gives the same sequence; the c. name uses the placement nearest the transcript's 3' end. VCF-style (leftmost placement, unchanged base first): chr11-108294937-ATT-A. GRCh37 (hg19) VCF-style: chr11-108165664-ATT-A.
Other names: c.4790_4791del, p.Phe1597fs (NM_001351834.2); short protein forms F1597fs.
Identifiers: ClinVar variation 3802573 (VCV003802573.1).

ClinVar aggregate classification (germline): Pathogenic (1 of 4 stars; one submission).

Conditions:
Hereditary cancer-predisposing syndrome. Also called: Neoplastic Syndromes, Hereditary; Hereditary Cancer Syndrome; Tumor predisposition; Hereditary neoplastic syndrome. Identifiers: Orphanet 140162, MedGen C0027672, MeSH D009386, MONDO:0015356.

Submission:

Ambry Genetics
Classification: Pathogenic for Hereditary cancer-predisposing syndrome. Last evaluated: 2025-03-04. Review status: criteria provided, single submitter. Criteria: Ambry Variant Classification Scheme 2023. Collection method: clinical testing. Allele origin: germline.
Comment: The c.4790_4791delTT pathogenic mutation, located in coding exon 31 of the ATM gene, results from a deletion of two nucleotides at nucleotide positions 4790 to 4791, causing a translational frameshift with a predicted alternate stop codon (p.F1597Sfs*7). This variant is considered to be rare based on population cohorts in the Genome Aggregation Database (gnomAD). This alteration is expected to result in loss of function by premature protein truncation or nonsense-mediated mRNA decay. As such, this alteration is interpreted as a disease-causing mutation.